The following is an entry in ClinVar:

ClinVar aggregate classification (germline): Pathogenic (1 of 4 stars; one submission).

Submission:

CeGaT Center for Human Genetics Tuebingen
Classification: Pathogenic. Last evaluated: 2025-07-01. Review status: criteria provided, single submitter. Criteria: CeGaT Center For Human Genetics Tuebingen Variant Classification Criteria Version 2. Collection method: clinical testing. Allele origin: germline. Affected: yes. Observed: 1 variant allele.
Comment: EHMT1: PVS1, PM2

NM_024757.5(EHMT1):c.858_859del (p.Arg287fs)

Gene: EHMT1 (euchromatic histone lysine methyltransferase 1; plus strand). Cytogenetic location: 9q34.3.
Variant type: Microsatellite.
Coding change: c.858_859del on transcript NM_024757.5 (MANE Select); coding-DNA positions 858 to 859, 2 bases deleted (TC; older notation c.858_859delTC).
Protein change: p.Arg287fs; shifts the reading frame from arginine 287.
Molecular consequence: frameshift variant.
Genome position (GRCh38, 1-based): chr9:137,743,405-137,743,406, TC deleted; deleting any 2 consecutive bases within chr9:137,743,403-137,743,406 gives the same sequence; the c. name uses the placement nearest the transcript's 3' end. VCF-style (leftmost placement, unchanged base first): chr9-137743402-ATC-A. GRCh37 (hg19) VCF-style: chr9-140637854-ATC-A.
Other names: c.858_859del, p.Arg287fs (NM_001145527.2, NM_001354611.2); c.765_766del, p.Arg256fs (NM_001354259.2, NM_001354612.2); c.837_838del, p.Arg280fs (NM_001354263.2); short protein forms R256fs, R280fs, R287fs.
Identifiers: ClinVar variation 4085546 (VCV004085546.8).